The following is an entry in ClinVar:

ClinVar aggregate classification (germline): Uncertain significance (1 of 4 stars; one submission).

Conditions:
Inborn genetic diseases. Identifiers: MedGen C0950123, MeSH D030342.

Submission:

Ambry Genetics
Classification: Uncertain significance for Inborn genetic diseases. Last evaluated: 2025-10-03. Review status: criteria provided, single submitter. Criteria: Ambry Variant Classification Scheme 2023. Collection method: clinical testing. Allele origin: germline.
Comment: The p.L446V variant (also known as c.1336C>G), located in coding exon 5 of the MBD4 gene, results from a C to G substitution at nucleotide position 1336. The leucine at codon 446 is replaced by valine, an amino acid with highly similar properties. This amino acid position is conserved. In addition, this alteration is predicted to be deleterious by in silico analysis. Based on the available evidence, the clinical significance of this variant remains unclear.

NM_001276270.2(MBD4):c.1336C>G (p.Leu446Val)

Gene: MBD4 (methyl-CpG binding domain 4, DNA glycosylase; minus strand). Cytogenetic location: 3q21.3.
Variant type: single nucleotide variant.
Coding change: c.1336C>G on transcript NM_001276270.2 (MANE Select); coding-DNA position 1336, C replaced by G.
Protein change: p.Leu446Val; replaces leucine 446 with valine.
Molecular consequence: missense variant.
Genome position (GRCh38, 1-based): chr3:129,433,907, G>C on the plus strand (C>G on the coding strand, the complement: MBD4 is on the minus strand). VCF-style: chr3-129433907-G-C. GRCh37 (hg19) VCF-style: chr3-129152750-G-C.
Other names: c.1354C>G, p.Leu452Val (NM_001276271.2, NM_001276272.2, NM_003925.3); c.400C>G, p.Leu134Val (NM_001276273.2); short protein forms L446V, L452V, L134V.
Identifiers: ClinVar variation 4624393 (VCV004624393.1).